The following is an entry in ClinVar:

ClinVar aggregate classification (germline): Likely benign (0 of 4 stars; one submission).

Conditions:
SERPINF1-related disorder. Also called: SERPINF1-related condition.

Allele frequency attached by ClinVar (database versions not stated): 1000 Genomes Project 0.00040; 1000 Genomes Project 30x 0.00047.
gnomAD v4.1: 37 of 1,614,056 alleles (0.0023%); highest among the groups gnomAD compares: South Asian, 0.024%; no homozygotes.

Submission:

PreventionGenetics, part of Exact Sciences
Classification: Likely benign for SERPINF1-related condition. Last evaluated: 2020-06-22. Review status: no assertion criteria provided. Collection method: clinical testing. Allele origin: germline.
Comment: This variant is classified as likely benign based on ACMG/AMP sequence variant interpretation guidelines (Richards et al. 2015 PMID: 25741868, with internal and published modifications).

NM_002615.7(SERPINF1):c.1095C>T (p.Asn365=)

Gene: SERPINF1 (serpin family F member 1; plus strand). Cytogenetic location: 17p13.3.
Variant type: single nucleotide variant.
Coding change: c.1095C>T on transcript NM_002615.7 (MANE Select); coding-DNA position 1095, C replaced by T.
Protein change: p.Asn365=; no amino-acid change (asparagine 365 retained).
Molecular consequence: synonymous variant.
Genome position (GRCh38, 1-based): chr17:1,777,284, C>T. VCF-style: chr17-1777284-C-T. GRCh37 (hg19) VCF-style: chr17-1680578-C-T.
Other names: c.1095C>T, p.Asn365= (NM_001329903.2); c.534C>T, p.Asn178= (NM_001329904.2, NM_001329905.2).
Identifiers: ClinVar variation 3055167 (VCV003055167.2), dbSNP rs565464856, ClinGen allele CA8274955.
Genomic context (GRCh38, chr17:1,777,284, plus strand): 5'-GATCACAGGCAAACCCATCAAGCTGACTCAGGTGGAACACCGGGCTGGCTTTGAGTGGAA[C>T]GAGGATGGGGCGGGAACCACCCCCAGCCCAGGGCTGCAGCCTGCCCACCTCACCTTCCCG-3'
Protein context (NP_002606.3, residues 355-375): QVEHRAGFEW[Asn365=]EDGAGTTPSP